The following is an entry in ClinVar:

NM_001352754.2(ARMC9):c.1660G>T (p.Glu554Ter)

Gene: ARMC9 (armadillo repeat containing 9; plus strand). Cytogenetic location: 2q37.1.
Variant type: single nucleotide variant.
Coding change: c.1660G>T on transcript NM_001352754.2 (MANE Select); coding-DNA position 1660, G replaced by T.
Protein change: p.Glu554Ter; replaces glutamic acid 554 with a stop codon.
Molecular consequence: nonsense. On other transcripts: non-coding transcript variant (1).
Genome position (GRCh38, 1-based): chr2:231,291,386, G>T. VCF-style: chr2-231291386-G-T. GRCh37 (hg19) VCF-style: chr2-232156099-G-T.
Other names: c.1660G>T, p.Glu554Ter (NM_001271466.4, NM_001291656.2, NM_001352755.2 and 3 more transcripts); c.1561G>T, p.Glu521Ter (NM_001352757.2, NM_001352758.2); short protein forms E521*, E554*.
Identifiers: ClinVar variation 4722700 (VCV004722700.1).

ClinVar aggregate classification (germline): Pathogenic (1 of 4 stars; one submission).

gnomAD v4.1: 1 of 1,613,744 alleles (0.000062%); highest among the groups gnomAD compares: African/African-American, 0.0013%; no homozygotes.

Submission:

Labcorp Genetics (formerly Invitae), Labcorp
Classification: Pathogenic. Last evaluated: 2025-07-15. Review status: criteria provided, single submitter. Criteria: Invitae Variant Classification Sherloc (09022015). Collection method: clinical testing. Allele origin: germline.
Comment: This sequence change creates a premature translational stop signal (p.Glu554*) in the ARMC9 gene. It is expected to result in an absent or disrupted protein product. Loss-of-function variants in ARMC9 are known to be pathogenic (PMID: 28625504). This variant is not present in population databases (gnomAD no frequency). This variant has not been reported in the literature in individuals affected with ARMC9-related conditions. For these reasons, this variant has been classified as Pathogenic.

Literature cited by the submitters: PubMed 28625504.